The following is an entry in ClinVar:

NM_032217.5(ANKRD17):c.372C>G (p.Asp124Glu)

Gene: ANKRD17 (ankyrin repeat domain 17; minus strand). Cytogenetic location: 4q13.3.
Variant type: single nucleotide variant.
Coding change: c.372C>G on transcript NM_032217.5 (MANE Select); coding-DNA position 372, C replaced by G.
Protein change: p.Asp124Glu; replaces aspartic acid 124 with glutamic acid.
Molecular consequence: missense variant.
Genome position (GRCh38, 1-based): chr4:73,258,297, G>C on the plus strand (C>G on the coding strand, the complement: ANKRD17 is on the minus strand). VCF-style: chr4-73258297-G-C. GRCh37 (hg19) VCF-style: chr4-74124014-G-C.
Other names: c.372C>G, p.Asp124Glu (NM_015574.2, NM_198889.3); short protein forms D124E.
Identifiers: ClinVar variation 2460514 (VCV002460514.9), dbSNP rs748463495, ClinGen allele CA2959166.

ClinVar aggregate classification (germline): Likely benign. Review status: criteria provided, multiple submitters, no conflicts (2 of 4 stars). 2 submissions from 2 submitters: Likely benign (2). Last evaluated 2025-09-01.

Conditions:
Inborn genetic diseases. Identifiers: MedGen C0950123, MeSH D030342.

Allele frequency attached by ClinVar (database versions not stated): gnomAD 0.00005; TOPMed 0.00008.

Submissions (2):

CeGaT Center for Human Genetics Tuebingen
Classification: Likely benign. Last evaluated: 2025-09-01. Review status: criteria provided, single submitter. Criteria: CeGaT Center For Human Genetics Tuebingen Variant Classification Criteria Version 2. Collection method: clinical testing. Allele origin: germline. Affected: yes. Observed: 1 variant allele.
Comment: ANKRD17: BS2

Ambry Genetics
Classification: Likely benign for Inborn genetic diseases. Last evaluated: 2023-01-11. Review status: criteria provided, single submitter. Criteria: Ambry Variant Classification Scheme 2023. Collection method: clinical testing. Allele origin: germline.